The following is an entry in ClinVar:

ClinVar aggregate classification (germline): Uncertain significance (1 of 4 stars; one submission).

Conditions:
Oligodontia-cancer predisposition syndrome. Also called: TOOTH AGENESIS-COLORECTAL CANCER SYNDROME. Identifiers: Orphanet 300576, MedGen C1837750, MONDO:0012075, OMIM 608615. Disease mechanism: loss of function.

Allele frequency attached by ClinVar (database versions not stated): gnomAD exomes below 0.00001.
gnomAD v4.1: 1 of 1,607,552 alleles (0.000062%); highest among the groups gnomAD compares: Non-Finnish European, 0.000085%; no homozygotes.

Submission:

Labcorp Genetics (formerly Invitae), Labcorp
Classification: Uncertain significance for Oligodontia-cancer predisposition syndrome. Last evaluated: 2024-10-30. Review status: criteria provided, single submitter. Criteria: Invitae Variant Classification Sherloc (09022015). Collection method: clinical testing. Allele origin: germline.
Comment: This sequence change replaces methionine, which is neutral and non-polar, with threonine, which is neutral and polar, at codon 49 of the AXIN2 protein (p.Met49Thr). This variant is not present in population databases (gnomAD no frequency). This variant has not been reported in the literature in individuals affected with AXIN2-related conditions. ClinVar contains an entry for this variant (Variation ID: 2177895). Invitae Evidence Modeling of protein sequence and biophysical properties (such as structural, functional, and spatial information, amino acid conservation, physicochemical variation, residue mobility, and thermodynamic stability) indicates that this missense variant is not expected to disrupt AXIN2 protein function with a negative predictive value of 80%. In summary, the available evidence is currently insufficient to determine the role of this variant in disease. Therefore, it has been classified as a Variant of Uncertain Significance.

NM_004655.4(AXIN2):c.146T>C (p.Met49Thr)

Gene: AXIN2 (axin 2; minus strand). Cytogenetic location: 17q24.1.
Variant type: single nucleotide variant.
Coding change: c.146T>C on transcript NM_004655.4 (MANE Select); coding-DNA position 146, T replaced by C.
Protein change: p.Met49Thr; replaces methionine 49 with threonine.
Molecular consequence: missense variant.
Genome position (GRCh38, 1-based): chr17:65,558,475, A>G on the plus strand (T>C on the coding strand, the complement: AXIN2 is on the minus strand). VCF-style: chr17-65558475-A-G. GRCh37 (hg19) VCF-style: chr17-63554593-A-G.
Other names: c.146T>C, p.Met49Thr (NM_001363813.1); short protein forms M49T.
Identifiers: ClinVar variation 2177895 (VCV002177895.4), dbSNP rs997628063, ClinGen allele CA293107260.